The following is an entry in ClinVar:

ClinVar aggregate classification (germline): Benign (1 of 4 stars; one submission).

Conditions:
Microcephaly 1, primary, autosomal recessive (MCPH1). Also called: PREMATURE CHROMOSOME CONDENSATION SYNDROME; PCC SYNDROME; PREMATURE CHROMOSOME CONDENSATION WITH MICROCEPHALY AND MENTAL RETARDATION. Identifiers: Orphanet 2512, MedGen C1855081, MONDO:0009617, OMIM 251200.

Allele frequency attached by ClinVar (database versions not stated): gnomAD exomes 0.00122; gnomAD 0.01088 and 0.01163; TOPMed 0.01251; 1000 Genomes Project 0.01258; 1000 Genomes Project 30x 0.01343.
gnomAD v4.1: 1,675 of 173,784 alleles (0.96%); highest among the groups gnomAD compares: African/African-American, 3.7%; 37 homozygotes.

Submission:

Illumina Laboratory Services, Illumina
Classification: Benign for Microcephaly 1, primary, autosomal recessive. Last evaluated: 2018-01-13. Review status: criteria provided, single submitter. Criteria: ICSL Variant Classification Criteria 13 December 2019. Collection method: clinical testing. Allele origin: germline.
Comment: This variant was observed in the ICSL laboratory as part of a predisposition screen in an ostensibly healthy population. It had not been previously curated by ICSL or reported in the Human Gene Mutation Database (HGMD: prior to June 1st, 2018), and was therefore a candidate for classification through an automated scoring system. Utilizing variant allele frequency, disease prevalence and penetrance estimates, and inheritance mode, an automated score was calculated to assess if this variant is too frequent to cause the disease. Based on the score and internal cut-off values, a variant classified as benign is not then subjected to further curation. The score for this variant resulted in a classification of benign for this disease.

NM_024596.5(MCPH1):c.*502T>C

Genes: MCPH1-AS1 (MCPH1 antisense RNA 1; minus strand), MCPH1 (microcephalin 1; plus strand). Cytogenetic location: 8p23.1.
Variant type: single nucleotide variant.
Coding change: c.*502T>C on transcript NM_024596.5 (MANE Select); 502 bases downstream of the stop codon, T replaced by C.
Molecular consequence: 3 prime UTR variant.
Genome position (GRCh38, 1-based): chr8:6,643,551, T>C. VCF-style: chr8-6643551-T-C. GRCh37 (hg19) VCF-style: chr8-6501072-T-C.
Other names: c.*524T>C (NM_001322042.2); c.*502T>C (NM_001363980.2).
Identifiers: ClinVar variation 363573 (VCV000363573.5), dbSNP rs116253794, ClinGen allele CA10631440.